The following is an entry in ClinVar:

ClinVar aggregate classification (germline): Likely benign (1 of 4 stars; one submission).

Allele frequency attached by ClinVar (database versions not stated): gnomAD 0.00001; gnomAD exomes 0.00002; ExAC 0.00014; 1000 Genomes Project 0.00020; 1000 Genomes Project 30x 0.00031.
gnomAD v4.1: 29 of 1,551,466 alleles (0.0019%); highest among the groups gnomAD compares: South Asian, 0.026%; no homozygotes.

Submission:

CeGaT Center for Human Genetics Tuebingen
Classification: Likely benign. Last evaluated: 2024-03-01. Review status: criteria provided, single submitter. Criteria: CeGaT Center For Human Genetics Tuebingen Variant Classification Criteria Version 2. Collection method: clinical testing. Allele origin: germline. Affected: yes. Observed: 1 variant allele.
Comment: SETD1B: BP4, BP7

NM_001353345.2(SETD1B):c.5856C>T (p.Ile1952=)

Gene: SETD1B (SET domain containing 1B, histone lysine methyltransferase; plus strand). Cytogenetic location: 12q24.31.
Variant type: single nucleotide variant.
Coding change: c.5856C>T on transcript NM_001353345.2 (MANE Select); coding-DNA position 5856, C replaced by T.
Protein change: p.Ile1952=; no amino-acid change (isoleucine 1952 retained).
Molecular consequence: synonymous variant.
Genome position (GRCh38, 1-based): chr12:121,830,194, C>T. VCF-style: chr12-121830194-C-T. GRCh37 (hg19) VCF-style: chr12-122268100-C-T.
Identifiers: ClinVar variation 3067545 (VCV003067545.21), dbSNP rs537320693, ClinGen allele CA6839369.